The following is an entry in ClinVar:

ClinVar aggregate classification (germline): Uncertain significance (1 of 4 stars; one submission).

Submission:

GeneDx
Classification: Uncertain significance. Last evaluated: 2024-06-27. Review status: criteria provided, single submitter. Criteria: GeneDx Variant Classification Process June 2021. Collection method: clinical testing. Allele origin: germline. Affected: yes.
Comment: Observed in an individual with thoracic aortic aneurysm who also harbored a variant in FBN1 (PMID: 34150014); Not observed at significant frequency in large population cohorts (gnomAD); In silico analysis supports that this missense variant has a deleterious effect on protein structure/function; Although located in a calcium-binding EGF-like domain of the FBN2 gene, it does not substitute or introduce a cysteine residue (PMID: 19006240, 18767143); This variant is associated with the following publications: (PMID: 19006240, 18767143, 34150014)

NM_001999.4(FBN2):c.577C>T (p.Pro193Ser)

Gene: FBN2 (fibrillin 2; minus strand). Cytogenetic location: 5q23.3.
Variant type: single nucleotide variant.
Coding change: c.577C>T on transcript NM_001999.4 (MANE Select); coding-DNA position 577, C replaced by T.
Protein change: p.Pro193Ser; replaces proline 193 with serine.
Molecular consequence: missense variant.
Genome position (GRCh38, 1-based): chr5:128,519,324, G>A on the plus strand (C>T on the coding strand, the complement: FBN2 is on the minus strand). VCF-style: chr5-128519324-G-A. GRCh37 (hg19) VCF-style: chr5-127855017-G-A.
Other names: short protein forms P193S.
Identifiers: ClinVar variation 3392953 (VCV003392953.1).